The following is an entry in ClinVar:

ClinVar aggregate classification (germline): Conflicting classifications of pathogenicity. Review status: criteria provided, conflicting classifications (1 of 4 stars). 2 submissions from 2 submitters: Uncertain significance (1); Likely benign (1). Last evaluated 2025-03-19.

Allele frequency attached by ClinVar (database versions not stated): ExAC 0.00002.
gnomAD v4.1: 19 of 1,613,834 alleles (0.0012%); highest among the groups gnomAD compares: Admixed American, 0.023%; no homozygotes.

Submissions (2):

Labcorp Genetics (formerly Invitae), Labcorp
Classification: Uncertain significance. Last evaluated: 2025-03-19. Review status: criteria provided, single submitter. Criteria: Invitae Variant Classification Sherloc (09022015). Collection method: clinical testing. Allele origin: germline.
Comment: This sequence change replaces alanine, which is neutral and non-polar, with valine, which is neutral and non-polar, at codon 660 of the KANK1 protein (p.Ala660Val). This variant is present in population databases (rs770106200, gnomAD 0.03%). This variant has not been reported in the literature in individuals affected with KANK1-related conditions. ClinVar contains an entry for this variant (Variation ID: 2173713). Invitae Evidence Modeling of protein sequence and biophysical properties (such as structural, functional, and spatial information, amino acid conservation, physicochemical variation, residue mobility, and thermodynamic stability) indicates that this missense variant is not expected to disrupt KANK1 protein function with a negative predictive value of 80%. In summary, the available evidence is currently insufficient to determine the role of this variant in disease. Therefore, it has been classified as a Variant of Uncertain Significance.

Ambry Genetics
Classification: Likely benign. Last evaluated: 2024-08-19. Review status: criteria provided, single submitter. Criteria: Ambry Variant Classification Scheme 2023. Collection method: clinical testing. Allele origin: germline.

NM_015158.5(KANK1):c.1979C>T (p.Ala660Val)

Gene: KANK1 (KN motif and ankyrin repeat domains 1; plus strand). Cytogenetic location: 9p24.3.
Variant type: single nucleotide variant.
Coding change: c.1979C>T on transcript NM_015158.5 (MANE Select); coding-DNA position 1979, C replaced by T.
Protein change: p.Ala660Val; replaces alanine 660 with valine.
Molecular consequence: missense variant. On other transcripts: non-coding transcript variant (1).
Genome position (GRCh38, 1-based): chr9:712,745, C>T. VCF-style: chr9-712745-C-T. GRCh37 (hg19) VCF-style: chr9-712745-C-T.
Other names: c.1979C>T, p.Ala660Val (NM_001256876.3, NM_001256877.3, NM_001354331.2 and 2 more transcripts); c.1505C>T, p.Ala502Val (NM_001354333.2, NM_001354335.2, NM_001354336.2 and 9 more transcripts); c.1979C>T (NM_015158.2); short protein forms A660V, A502V.
Identifiers: ClinVar variation 2173713 (VCV002173713.5), dbSNP rs770106200, ClinGen allele CA4960382.
Genomic context (GRCh38, chr9:712,745, plus strand): 5'-GCTCTCCAAAGGAGTGCGCCTCCCGGGGCGTGAACACTGAGGCTGTTAGCCAGGTGGAAG[C>T]TGCCGTCATGGCAGTGCCTCGTACTGCAGACCAGGACACTAGCACAGATTTGGAACAGGT-3'
Protein context (NP_055973.2, residues 650-670): VNTEAVSQVE[Ala660Val]AVMAVPRTAD